The following is an entry in ClinVar:

NM_002734.5(PRKAR1A):c.335C>T (p.Ser112Phe)

Gene: PRKAR1A (protein kinase cAMP-dependent type I regulatory subunit alpha; plus strand). Cytogenetic location: 17q24.2.
Variant type: single nucleotide variant.
Coding change: c.335C>T on transcript NM_002734.5 (MANE Select); coding-DNA position 335, C replaced by T.
Protein change: p.Ser112Phe; replaces serine 112 with phenylalanine.
Molecular consequence: missense variant.
Genome position (GRCh38, 1-based): chr17:68,522,913, C>T. VCF-style: chr17-68522913-C-T. GRCh37 (hg19) VCF-style: chr17-66519054-C-T.
Other names: c.335C>T, p.Ser112Phe (NM_001276289.2, NM_001276290.1, NM_001278433.2 and 4 more transcripts); c.335C>T (NM_002734.3); short protein forms S112F.
Identifiers: ClinVar variation 2750354 (VCV002750354.4), dbSNP rs1310506395, ClinGen allele CA400752497.
Genomic context (GRCh38, chr17:68,522,913, plus strand): 5'-AAGGTAGGAGGCGACGAGGTGCTATCAGCGCTGAGGTCTACACGGAGGAAGATGCGGCAT[C>T]CTATGTTAGAAAGGTAGTTTTGATATTTGAATATCGGGGGGATGCTTTTGGGACCCACTT-3'
Protein context (NP_002725.1, residues 102-122): AEVYTEEDAA[Ser112Phe]YVRKVIPKDY

ClinVar aggregate classification (germline): Uncertain significance. Review status: criteria provided, multiple submitters, no conflicts (2 of 4 stars). 2 submissions from 2 submitters: Uncertain significance (2). Last evaluated 2026-07-06.

Conditions:
Carney complex, type 1 (CNC1). Also called: CARNEY MYXOMA-ENDOCRINE COMPLEX; CARNEY COMPLEX, TYPE I. Identifiers: Orphanet 1359, MedGen C2607929, MONDO:0008057, OMIM 160980.
Hereditary cancer-predisposing syndrome. Also called: Hereditary Cancer Syndrome; Hereditary neoplastic syndrome; Neoplastic Syndromes, Hereditary; Tumor predisposition. Identifiers: Orphanet 140162, MedGen C0027672, MeSH D009386, MONDO:0015356.

Allele frequency attached by ClinVar (database versions not stated): TOPMed below 0.00001.

Submissions (2):

Ambry Genetics
Classification: Uncertain significance for Hereditary cancer-predisposing syndrome. Last evaluated: 2026-07-06. Review status: criteria provided, single submitter. Criteria: Ambry Variant Classification Scheme 2023. Collection method: clinical testing. Allele origin: germline.
Comment: The p.S112F variant (also known as c.335C>T), located in coding exon 2 of the PRKAR1A gene, results from a C to T substitution at nucleotide position 335. The serine at codon 112 is replaced by phenylalanine, an amino acid with highly dissimilar properties. This amino acid position is conserved. In addition, this alteration is predicted to be deleterious by in silico analysis. Based on the available evidence, the clinical significance of this variant remains unclear.

Labcorp Genetics (formerly Invitae), Labcorp
Classification: Uncertain significance for Carney complex, type 1. Last evaluated: 2023-09-01. Review status: criteria provided, single submitter. Criteria: Invitae Variant Classification Sherloc (09022015). Collection method: clinical testing. Allele origin: germline.
Comment: In summary, the available evidence is currently insufficient to determine the role of this variant in disease. Therefore, it has been classified as a Variant of Uncertain Significance. Advanced modeling of protein sequence and biophysical properties (such as structural, functional, and spatial information, amino acid conservation, physicochemical variation, residue mobility, and thermodynamic stability) performed at Invitae indicates that this missense variant is not expected to disrupt PRKAR1A protein function. This variant has not been reported in the literature in individuals affected with PRKAR1A-related conditions. This variant is not present in population databases (gnomAD no frequency). This sequence change replaces serine, which is neutral and polar, with phenylalanine, which is neutral and non-polar, at codon 112 of the PRKAR1A protein (p.Ser112Phe).